The following is an entry in ClinVar:

ClinVar aggregate classification (germline): Likely benign (1 of 4 stars; one submission).

Submission:

CeGaT Center for Human Genetics Tuebingen
Classification: Likely benign. Last evaluated: 2026-02-01. Review status: criteria provided, single submitter. Criteria: CeGaT Center For Human Genetics Tuebingen Variant Classification Criteria Version 2. Collection method: clinical testing. Allele origin: germline. Affected: yes. Observed: 1 variant allele.
Comment: SIGLEC16: BP4, BP7

NM_001348364.2(SIGLEC16):c.1188T>A (p.Pro396=)

Gene: SIGLEC16 (sialic acid binding Ig like lectin 16 (gene/pseudogene); plus strand). Cytogenetic location: 19q13.33.
Variant type: single nucleotide variant.
Coding change: c.1188T>A on transcript NM_001348364.2; coding-DNA position 1188, T replaced by A.
Protein change: p.Pro396=; no amino-acid change (proline 396 retained).
Molecular consequence: synonymous variant. On other transcripts: non-coding transcript variant (1).
Genome position (GRCh38, 1-based): chr19:49,972,010, T>A. VCF-style: chr19-49972010-T-A. GRCh37 (hg19) VCF-style: chr19-50475267-T-A.
Identifiers: ClinVar variation 4821185 (VCV004821185.4).